The following is an entry in ClinVar:

ClinVar aggregate classification (germline): Uncertain significance (1 of 4 stars; one submission).

gnomAD v4.1: 4 of 700,212 alleles (0.00057%); highest among the groups gnomAD compares: East Asian, 0.008%; no homozygotes.

Submission:

Labcorp Genetics (formerly Invitae), Labcorp
Classification: Uncertain significance. Last evaluated: 2022-03-19. Review status: criteria provided, single submitter. Criteria: Invitae Variant Classification Sherloc (09022015). Collection method: clinical testing. Allele origin: germline.
Comment: This variant occurs in the RNU4ATAC gene, which encodes an RNA molecule that does not result in a protein product. This variant is present in population databases (no rsID available, gnomAD 0.01%). This variant has not been reported in the literature in individuals affected with RNU4ATAC-related conditions. Experimental studies and prediction algorithms are not available or were not evaluated, and the functional significance of this variant is currently unknown. In summary, the available evidence is currently insufficient to determine the role of this variant in disease. Therefore, it has been classified as a Variant of Uncertain Significance.

NC_000002.12:g.121530980G>C

Genes: CLASP1 (cytoplasmic linker associated protein 1; minus strand), CLASP1-AS1 (CLASP1 antisense RNA 1; plus strand), RNU4ATAC (RNA, U4atac small nuclear; plus strand). Cytogenetic location: 2q14.2.
Variant type: single nucleotide variant.
Molecular consequence: intron variant (on NM_001395891.1).
Genome position: GRCh38 VCF-style: chr2-121530980-G-C. GRCh37 (hg19) VCF-style: chr2-122288556-G-C.
Other names: c.196-655C>G (NM_001142274.2, NM_015282.3, NM_001378003.1 and 5 more transcripts).
Identifiers: ClinVar variation 1461415 (VCV001461415.6), dbSNP rs192674805, ClinGen allele CA428888154.